The following is an entry in ClinVar:

NM_005751.5(AKAP9):c.2449G>C (p.Val817Leu)

Gene: AKAP9 (A-kinase anchoring protein 9; plus strand). Cytogenetic location: 7q21.2.
Variant type: single nucleotide variant.
Coding change: c.2449G>C on transcript NM_005751.5 (MANE Select); coding-DNA position 2449, G replaced by C.
Protein change: p.Val817Leu; replaces valine 817 with leucine.
Molecular consequence: missense variant.
Genome position (GRCh38, 1-based): chr7:92,002,366, G>C. VCF-style: chr7-92002366-G-C. GRCh37 (hg19) VCF-style: chr7-91631680-G-C.
Other names: c.2449G>C, p.Val817Leu (NM_147185.3); short protein forms V817L.
Identifiers: ClinVar variation 4265885 (VCV004265885.2).

ClinVar aggregate classification (germline): Uncertain significance. Review status: criteria provided, multiple submitters, no conflicts (2 of 4 stars). 2 submissions from 2 submitters: Uncertain significance (2). Last evaluated 2025-09-10.

Conditions:
Cardiovascular phenotype. Identifiers: MedGen CN230736.
Long QT syndrome (LQTS). Identifiers: MedGen C0023976, MeSH D008133, MONDO:0002442. Disease mechanism: loss of function. Inheritance: Various modes of inheritance.

gnomAD v4.1: 1 of 1,612,174 alleles (0.000062%); highest among the groups gnomAD compares: African/African-American, 0.0013%; no homozygotes.

Submissions (2):

Ambry Genetics
Classification: Uncertain significance for Cardiovascular phenotype. Last evaluated: 2025-09-10. Review status: criteria provided, single submitter. Criteria: Ambry Variant Classification Scheme 2023. Collection method: clinical testing. Allele origin: germline.

Labcorp Genetics (formerly Invitae), Labcorp
Classification: Uncertain significance for Long QT syndrome. Last evaluated: 2025-05-04. Review status: criteria provided, single submitter. Criteria: Invitae Variant Classification Sherloc (09022015). Collection method: clinical testing. Allele origin: germline.
Comment: This sequence change replaces valine, which is neutral and non-polar, with leucine, which is neutral and non-polar, at codon 817 of the AKAP9 protein (p.Val817Leu). This variant is present in population databases (no rsID available, gnomAD 0.01%). This variant has not been reported in the literature in individuals affected with AKAP9-related conditions. An algorithm developed to predict the effect of missense changes on protein structure and function (PolyPhen-2) suggests that this variant is likely to be tolerated. In summary, the available evidence is currently insufficient to determine the role of this variant in disease. Therefore, it has been classified as a Variant of Uncertain Significance.